The following is an entry in ClinVar:

NM_001127222.2(CACNA1A):c.5134-4A>G

Gene: CACNA1A (calcium voltage-gated channel subunit alpha1 A; minus strand). Cytogenetic location: 19p13.13.
Variant type: single nucleotide variant.
Coding change: c.5134-4A>G on transcript NM_001127222.2 (MANE Select); 4 bases into the intron before coding-DNA position 5134, A replaced by G.
Molecular consequence: intron variant.
Genome position (GRCh38, 1-based): chr19:13,235,040, T>C on the plus strand (A>G on the coding strand, the complement: CACNA1A is on the minus strand). VCF-style: chr19-13235040-T-C. GRCh37 (hg19) VCF-style: chr19-13345854-T-C.
Other names: c.5134-4A>G (NM_001127222.1); c.5137-4A>G (NM_001127221.2); c.5143-4A>G (NM_001174080.2); c.5152-4A>G (NM_000068.4, NM_023035.3).
Identifiers: ClinVar variation 742412 (VCV000742412.16), dbSNP rs200165596, ClinGen allele CA9239813.
Genomic context (GRCh38, chr19:13,235,040, plus strand): 5'-GAACTCATCTTCATCACTGTCCTCGTCCTCCACGTCGATGCCAATGTTACCAAACACCTG[T>C]GGAATTGGAGGGTGACGACCAGGGGCTGCCATTCCTCCAGTGGCTTCTGGGAAACCCAGC-3'

ClinVar aggregate classification (germline): Likely benign. Review status: criteria provided, multiple submitters, no conflicts (2 of 4 stars). 5 submissions from 5 submitters: Likely benign (5). Last evaluated 2026-03-26.

Conditions:
Episodic ataxia type 2 (EA2). Also called: ACETAZOLAMIDE-RESPONSIVE HEREDITARY PAROXYSMAL CEREBELLAR ATAXIA; ATAXIA, EPISODIC, WITH NYSTAGMUS; ATAXIA, FAMILIAL PAROXYSMAL; CEREBELLAR ATAXIA, PAROXYSMAL, ACETAZOLAMIDE-RESPONSIVE; CEREBELLOPATHY, HEREDITARY PAROXYSMAL; EPISODIC ATAXIA, NYSTAGMUS-ASSOCIATED. Identifiers: Orphanet 97, MedGen C1720416, MONDO:0007163, OMIM 108500.
Developmental and epileptic encephalopathy, 42 (DEE42A). Also called: DEVELOPMENTAL AND EPILEPTIC ENCEPHALOPATHY 42A; EPILEPTIC ENCEPHALOPATHY, EARLY INFANTILE, 42A; Epileptic encephalopathy, early infantile, 42. Identifiers: MedGen C4310716, MONDO:0014917, OMIM 617106.
CACNA1A-related disorder. Also called: CACNA1A-related condition.

Allele frequency attached by ClinVar (database versions not stated): gnomAD exomes 0.00001 and 0.00002; ExAC 0.00002; TOPMed 0.00009; gnomAD 0.00010 and 0.00011; 1000 Genomes Project 0.00040; 1000 Genomes Project 30x 0.00047.
gnomAD v4.1: 29 of 1,607,774 alleles (0.0018%); highest among the groups gnomAD compares: African/African-American, 0.035%; no homozygotes.

Submissions (5):

PreventionGenetics, part of Exact Sciences
Classification: Likely benign for CACNA1A-related condition. Last evaluated: 2026-03-26. Review status: criteria provided, single submitter. Criteria: ACMG Guidelines, 2015. Collection method: clinical testing. Allele origin: germline.
Comment: This variant is classified as likely benign based on ACMG/AMP sequence variant interpretation guidelines (Richards et al. 2015 PMID: 25741868, with internal and published modifications).

Women's Health and Genetics/Laboratory Corporation of America, LabCorp
Classification: Likely benign. Last evaluated: 2025-09-09. Review status: criteria provided, single submitter. Criteria: LabCorp Variant Classification Summary - May 2015. Collection method: clinical testing. Allele origin: germline.

Labcorp Genetics (formerly Invitae), Labcorp
Classification: Likely benign for Developmental and epileptic encephalopathy, 42; Episodic ataxia type 2. Last evaluated: 2025-07-13. Review status: criteria provided, single submitter. Criteria: Invitae Variant Classification Sherloc (09022015). Collection method: clinical testing. Allele origin: germline.

GeneDx
Classification: Likely benign. Last evaluated: 2020-10-23. Review status: criteria provided, single submitter. Criteria: GeneDx Variant Classification Process June 2021. Collection method: clinical testing. Allele origin: germline. Affected: yes.

Athena Diagnostics
Classification: Likely benign. Last evaluated: 2018-08-22. Review status: criteria provided, single submitter. Criteria: Athena Diagnostics Criteria. Collection method: clinical testing. Allele origin: germline.